The following is an entry in ClinVar:

ClinVar aggregate classification (germline): Uncertain significance (1 of 4 stars; one submission).

Conditions:
Primary ciliary dyskinesia 6. Also called: Primary Ciliary Dyskinesia 6: TXNDC3-Related Primary Ciliary Dyskinesia. Identifiers: Orphanet 244, MedGen C1970506, MONDO:0012571, OMIM 610852.

gnomAD v4.1: 1 of 1,613,522 alleles (0.000062%); highest among the groups gnomAD compares: Admixed American, 0.0017%; no homozygotes.

Submission:

Labcorp Genetics (formerly Invitae), Labcorp
Classification: Uncertain significance for Primary ciliary dyskinesia 6. Last evaluated: 2025-04-01. Review status: criteria provided, single submitter. Criteria: Invitae Variant Classification Sherloc (09022015). Collection method: clinical testing. Allele origin: germline.
Comment: This sequence change replaces arginine, which is basic and polar, with glycine, which is neutral and non-polar, at codon 442 of the NME8 protein (p.Arg442Gly). This variant is present in population databases (no rsID available, gnomAD 0.003%). This variant has not been reported in the literature in individuals affected with NME8-related conditions. Invitae Evidence Modeling of protein sequence and biophysical properties (such as structural, functional, and spatial information, amino acid conservation, physicochemical variation, residue mobility, and thermodynamic stability) indicates that this missense variant is not expected to disrupt NME8 protein function with a negative predictive value of 80%. In summary, the available evidence is currently insufficient to determine the role of this variant in disease. Therefore, it has been classified as a Variant of Uncertain Significance.

NM_016616.5(NME8):c.1324A>G (p.Arg442Gly)

Gene: NME8 (NME/NM23 family member 8; plus strand). Cytogenetic location: 7p14.1.
Variant type: single nucleotide variant.
Coding change: c.1324A>G on transcript NM_016616.5 (MANE Select); coding-DNA position 1324, A replaced by G.
Protein change: p.Arg442Gly; replaces arginine 442 with glycine.
Molecular consequence: missense variant.
Genome position (GRCh38, 1-based): chr7:37,888,353, A>G. VCF-style: chr7-37888353-A-G. GRCh37 (hg19) VCF-style: chr7-37927955-A-G.
Other names: short protein forms R442G.
Identifiers: ClinVar variation 4702256 (VCV004702256.1).
Genomic context (GRCh38, chr7:37,888,353, plus strand): 5'-GCGATGGACAGTTTGCCGGTCAACCAGTTGTATGGCAGCGATTCATTAGAAACCGCTGAA[A>G]GGGAAATACAGCATTTCTTTCCTCTTCAAAGCACTTTAGGCTTGATTAAACCTCATGCAA-3'
Protein context (NP_057700.3, residues 432-452): YGSDSLETAE[Arg442Gly]EIQHFFPLQS